The following is an entry in ClinVar:

ClinVar aggregate classification (germline): Pathogenic; drug response. Review status: reviewed by expert panel (3 of 4 stars). 20 submissions from 13 submitters: Pathogenic (1). 12 of the submissions do not count toward it. Last evaluated 2022-03-29.

Conditions:
Malignant hyperthermia of anesthesia. Also called: Anesthesic-triggered malignant hyperthermia. Identifiers: Orphanet 423, MedGen C0024591, MONDO:0018493, HP:0034733.
succinylcholine response - Toxicity.
sevoflurane response - Toxicity.
methoxyflurane response - Toxicity.
isoflurane response - Toxicity.
halothane response - Toxicity.
enflurane response - Toxicity.
desflurane response - Toxicity.
Central core myopathy (CMYO1A). Also called: Central core disease; Myopathy, central fibrillar; CONGENITAL MYOPATHY 1A, AUTOSOMAL DOMINANT, WITH SUSCEPTIBILITY TO MALIGNANT HYPERTHERMIA. Identifiers: Orphanet 597, MedGen C5830701, MONDO:0007294, OMIM 117000.
Congenital multicore myopathy with external ophthalmoplegia (CMYO1B). Also called: Minicore myopathy with external ophthalmoplegia; Congenital myopathy 1B, autosomal recessive; Minicore myopathy; MULTICORE MYOPATHY; MULTIMINICORE DISEASE WITH EXTERNAL OPHTHALMOPLEGIA. Identifiers: Orphanet 598, Orphanet 98905, MedGen C1850674, MONDO:0009712, OMIM 255320, HP:0003789.
Malignant hyperthermia, susceptibility to, 1 (MHS1). Also called: Malignant hyperthermia suceptibility 1; Anesthesia related hyperthermia; Malignant hyperpyrexia; Fulminating hyperpyrexia; Pharmacogenic myopathy; RYR1-Related Malignant Hyperthermia Susceptibility. Identifiers: Orphanet 423, MedGen C2930980, MONDO:0007783, OMIM 145600.
RYR1-related disorder. Also called: RYR1-related condition; RYR1-related disorders. Identifiers: MedGen CN239331.

gnomAD v4.1: 5 of 1,614,130 alleles (0.00031%); highest among the groups gnomAD compares: Non-Finnish European, 0.00042%; no homozygotes.

Submissions 1 to 10 of 20:

ClinGen Malignant Hyperthermia Susceptibility Variant Curation Expert Panel, ClinGen
Classification: Pathogenic for Malignant hyperthermia, susceptibility to, 1. Last evaluated: 2022-03-29. Review status: reviewed by expert panel. Criteria: ClinGen MHS ACMG Specifications V2. Collection method: curation. Allele origin: germline. Inheritance: Autosomal dominant inheritance.
Comment: This pathogenicity assessment is relevant only for malignant hyperthermia susceptibility (MHS) inherited in an autosomal dominant pattern. Variants in RYR1 can also cause other myopathies inherited in an autosomal dominant pattern or in an autosomal recessive pattern. Some of these disorders may predispose individuals to malignant hyperthermia. RYR1 variants may also contribute to a malignant hyperthermia reaction in combination with other genetic and non-genetic factors and the clinician needs to consider such factors in making management decisions. This sequence variant predicts a substitution of Valine with Methionine at codon 2168 of the RYR1 protein, p.(Val2168Met). This variant is not present in a large population database (gnomAD) at the time this variant was interpreted. This variant has been reported in over 25 unrelated individuals who have a personal or family history of a malignant hyperthermia reaction, over 25 of these individuals had a positive in vitro contracture test (IVCT) or caffeine halothane contracture test (CHCT) result (if the proband was unavailable for testing, a positive diagnostic test result in a mutation-positive relative was counted), PS4 (PMID:11668625; PMID:30236257; PMID:20681998 and others). Functional studies in human myotubes from nine individuals (5 families) showed an increased sensitivity to RYR1 agonists, PS3_Moderate (PMID:15299003). This variant resides in a region of RYR1 considered to be a hotspot for pathogenic variants that contribute to MHS, PM1 (PMID: 21118704). This variant segregates with MHS eight individuals PP1_Strong (PMID:12434264, PMID:11575529). A REVEL score >0.85 (0.896)supports a pathogenic status for this variant, PP3_Moderate. This variant has been classified as Pathogenic. Criteria implemented: PS3_Moderate, PS4, PM1, PP1_Strong, PP3_Moderate.

ClinPGx
Classification: drug response for desflurane response - Toxicity. Last evaluated: 2021-03-24. Review status: reviewed by expert panel. Criteria: Pharmacogenomics knowledge for personalized medicine. Collection method: curation. Allele origin: germline. Affected: yes.
Comment: PharmGKB Level of Evidence 1A: Level 1A clinical annotations describe variant-drug combinations that have variant-specific prescribing guidance available in a current clinical guideline annotation or an FDA-approved drug label annotation. Annotations of drug labels or clinical guidelines must give prescribing guidance for specific variants (e.g. CYP2C9*3, HLA-B*57:01) or provide mapping from defined allele functions to diplotypes and phenotypes to be used as supporting evidence for a level 1A clinical annotation. Level 1A clinical annotations must also be supported by at least one publication in addition to a clinical guideline or drug label with variant-specific prescribing guidance.

Drug is not necessarily used to treat response condition

ClinPGx
Classification: drug response for enflurane response - Toxicity. Last evaluated: 2021-03-24. Review status: reviewed by expert panel. Criteria: Pharmacogenomics knowledge for personalized medicine. Collection method: curation. Allele origin: germline. Affected: yes.
Comment: the same text as in the submission from ClinPGx above.

ClinPGx
Classification: drug response for halothane response - Toxicity. Last evaluated: 2021-03-24. Review status: reviewed by expert panel. Criteria: Pharmacogenomics knowledge for personalized medicine. Collection method: curation. Allele origin: germline. Affected: yes.
Comment: the same text as in the submission from ClinPGx above.

ClinPGx
Classification: drug response for isoflurane response - Toxicity. Last evaluated: 2021-03-24. Review status: reviewed by expert panel. Criteria: Pharmacogenomics knowledge for personalized medicine. Collection method: curation. Allele origin: germline. Affected: yes.
Comment: the same text as in the submission from ClinPGx above.

ClinPGx
Classification: drug response for methoxyflurane response - Toxicity. Last evaluated: 2021-03-24. Review status: reviewed by expert panel. Criteria: Pharmacogenomics knowledge for personalized medicine. Collection method: curation. Allele origin: germline. Affected: yes.
Comment: the same text as in the submission from ClinPGx above.

ClinPGx
Classification: drug response for sevoflurane response - Toxicity. Last evaluated: 2021-03-24. Review status: reviewed by expert panel. Criteria: Pharmacogenomics knowledge for personalized medicine. Collection method: curation. Allele origin: germline. Affected: yes.
Comment: the same text as in the submission from ClinPGx above.

ClinPGx
Classification: drug response for succinylcholine response - Toxicity. Last evaluated: 2021-03-24. Review status: reviewed by expert panel. Criteria: Pharmacogenomics knowledge for personalized medicine. Collection method: curation. Allele origin: germline. Affected: yes.
Comment: the same text as in the submission from ClinPGx above.

Labcorp Genetics (formerly Invitae), Labcorp
Classification: Pathogenic for RYR1-related disorder. Last evaluated: 2025-08-10. Review status: criteria provided, single submitter. Criteria: Invitae Variant Classification Sherloc (09022015). Collection method: clinical testing. Allele origin: germline. Not counted in ClinVar's aggregate classification.
Comment: This sequence change replaces valine, which is neutral and non-polar, with methionine, which is neutral and non-polar, at codon 2168 of the RYR1 protein (p.Val2168Met). This variant is not present in population databases (gnomAD no frequency). This missense change has been observed in individuals with autosomal dominant malignant hyperthermia susceptibility (PMID: 9497245, 11668625, 19648156, 25466363). It has also been observed to segregate with disease in related individuals. ClinVar contains an entry for this variant (Variation ID: 12976). Invitae Evidence Modeling of protein sequence and biophysical properties (such as structural, functional, and spatial information, amino acid conservation, physicochemical variation, residue mobility, and thermodynamic stability) indicates that this missense variant is expected to disrupt RYR1 protein function with a positive predictive value of 80%. Experimental studies have shown that this missense change affects RYR1 function (PMID: 11668625). For these reasons, this variant has been classified as Pathogenic.

GeneDx
Classification: Pathogenic. Last evaluated: 2025-06-26. Review status: criteria provided, single submitter. Criteria: GeneDx Variant Classification Process June 2021. Collection method: clinical testing. Allele origin: germline. Affected: yes. Not counted in ClinVar's aggregate classification.
Comment: Observed frequently in unrelated patients with malignant hyperthermia in published literature and not observed in controls (PMID: 30236257, 11668625, 21455645, 19648156); Published functional studies showed that V2168M resulted in increased sensitivity to caffeine and altered channel dynamics when expressed in heterologous cells (PMID: 16163667); In silico analysis supports that this missense variant has a deleterious effect on protein structure/function; Not observed at significant frequency in large population cohorts (gnomAD); This variant is associated with the following publications: (PMID: 25466363, 12732639, 9497245, 29635721, 11668625, 11673462, 12668474, 33767344, 27586648, 27147545, 34008892, 33087929, 32528171, 30236257, 21455645, 19648156, 33259453, 36833224, 16244001, 23558838, 16163667, 24433488, 17710899, 32919876, 35428369, 37728764, 31559918, 25735680, 35741838, 15448513, 11575529, 10484775, 12411786, 12059893)

NM_000540.3(RYR1):c.6502G>A (p.Val2168Met)

Gene: RYR1 (ryanodine receptor 1; plus strand). Cytogenetic location: 19q13.2.
Variant type: single nucleotide variant.
Coding change: c.6502G>A on transcript NM_000540.3 (MANE Select); coding-DNA position 6502, G replaced by A.
Protein change: p.Val2168Met; replaces valine 2168 with methionine.
Molecular consequence: missense variant.
Genome position (GRCh38, 1-based): chr19:38,494,579, G>A. VCF-style: chr19-38494579-G-A. GRCh37 (hg19) VCF-style: chr19-38985219-G-A.
Other names: NM_000540.3(RYR1):c.6502G>A; c.6502G>A, p.Val2168Met (NM_001042723.2); short protein forms V2168M.
Identifiers: ClinVar variation 12976 (VCV000012976.25), dbSNP rs118192176, ClinGen allele CA024603.